The following is an entry in ClinVar:

NM_000137.4(FAH):c.615T>A (p.Phe205Leu)

Gene: FAH (fumarylacetoacetate hydrolase; plus strand). Cytogenetic location: 15q25.1.
Variant type: single nucleotide variant.
Coding change: c.615T>A on transcript NM_000137.4 (MANE Select); coding-DNA position 615, T replaced by A.
Protein change: p.Phe205Leu; replaces phenylalanine 205 with leucine.
Molecular consequence: missense variant.
Genome position (GRCh38, 1-based): chr15:80,172,157, T>A. VCF-style: chr15-80172157-T-A. GRCh37 (hg19) VCF-style: chr15-80464499-T-A.
Other names: c.615T>A, p.Phe205Leu (NM_001374377.1, NM_001374380.1); short protein forms F205L.
Identifiers: ClinVar variation 962208 (VCV000962208.9), dbSNP rs2041246277, ClinGen allele CA393620423.

ClinVar aggregate classification (germline): Uncertain significance (1 of 4 stars; one submission).

Conditions:
Tyrosinemia type I (TYRSN1). Also called: HEPATORENAL TYROSINEMIA; Tyrosinemia type 1; Fumarylacetoacetase deficiency; Deficiency of fumarylacetoacetase; FAH DEFICIENCY. Identifiers: Orphanet 882, MedGen C0268490, MONDO:0010161, OMIM 276700. Disease mechanism: loss of function.

Submission:

Labcorp Genetics (formerly Invitae), Labcorp
Classification: Uncertain significance for Tyrosinemia type I. Last evaluated: 2020-01-05. Review status: criteria provided, single submitter. Criteria: Invitae Variant Classification Sherloc (09022015). Collection method: clinical testing. Allele origin: germline.
Comment: In summary, the available evidence is currently insufficient to determine the role of this variant in disease. Therefore, it has been classified as a Variant of Uncertain Significance. Algorithms developed to predict the effect of missense changes on protein structure and function are either unavailable or do not agree on the potential impact of this missense change (SIFT: "Deleterious"; PolyPhen-2: "Benign"; Align-GVGD: "Class C0"). This variant has been observed in individual(s) with features of tyrosinemia type 1 (Invitae). This variant is not present in population databases (ExAC no frequency). This sequence change replaces phenylalanine with leucine at codon 205 of the FAH protein (p.Phe205Leu). The phenylalanine residue is highly conserved and there is a small physicochemical difference between phenylalanine and leucine.